The following is an entry in ClinVar:

NM_198253.3(TERT):c.301T>C (p.Phe101Leu)

Gene: TERT (telomerase reverse transcriptase; minus strand). Cytogenetic location: 5p15.33.
Variant type: single nucleotide variant.
Coding change: c.301T>C on transcript NM_198253.3 (MANE Select); coding-DNA position 301, T replaced by C.
Protein change: p.Phe101Leu; replaces phenylalanine 101 with leucine.
Molecular consequence: missense variant. On other transcripts: non-coding transcript variant (2).
Genome position (GRCh38, 1-based): chr5:1,294,585, A>G on the plus strand (T>C on the coding strand, the complement: TERT is on the minus strand). VCF-style: chr5-1294585-A-G. GRCh37 (hg19) VCF-style: chr5-1294700-A-G.
Other names: c.301T>C, p.Phe101Leu (NM_001193376.3); short protein forms F101L.
Identifiers: ClinVar variation 4996501 (VCV004996501.1).

ClinVar aggregate classification (germline): Uncertain significance (1 of 4 stars; one submission).

Conditions:
TERT-related disorder. Also called: TERT-related disorders; TERT-related condition.

Submission:

PreventionGenetics, part of Exact Sciences
Classification: Uncertain significance for TERT-related condition. Last evaluated: 2026-04-20. Review status: criteria provided, single submitter. Criteria: ACMG Guidelines, 2015. Collection method: clinical testing. Allele origin: germline.
Comment: The TERT c.301T>C variant is predicted to result in the amino acid substitution p.Phe101Leu. To our knowledge, this variant has not been reported in the literature or in a large population database (gnomAD), indicating this variant is rare. The p.Phe101 residue is located within a critical region for telomerase function, where a substitution, p.Phe101Val (generated by site mutagenesis), resulted in markedly decrease in telomerase recruitment and catalytical activity (Padmanaban et al. 2023. PubMed ID: 36963832). At this time, the clinical significance of this variant is uncertain due to the absence of conclusive functional and genetic evidence.